The following is an entry in ClinVar:

ClinVar aggregate classification (germline): Uncertain significance (1 of 4 stars; one submission).

Allele frequency attached by ClinVar (database versions not stated): gnomAD exomes 0.00001; TOPMed 0.00002; gnomAD 0.00003 and 0.00004; ESP Exome Variant Server 0.00008.
gnomAD v4.1: 15 of 1,551,940 alleles (0.00097%); highest among the groups gnomAD compares: Non-Finnish European, 0.0013%; no homozygotes.

Submission:

Labcorp Genetics (formerly Invitae), Labcorp
Classification: Uncertain significance. Last evaluated: 2021-07-12. Review status: criteria provided, single submitter. Criteria: Invitae Variant Classification Sherloc (09022015). Collection method: clinical testing. Allele origin: germline.
Comment: This sequence change replaces asparagine with serine at codon 1260 of the HTT protein (p.Asn1260Ser). The asparagine residue is moderately conserved and there is a small physicochemical difference between asparagine and serine. This variant is not present in population databases (ExAC no frequency). This variant has not been reported in the literature in individuals affected with HTT-related conditions. Experimental studies and prediction algorithms are not available or were not evaluated, and the functional significance of this variant is currently unknown. In summary, the available evidence is currently insufficient to determine the role of this variant in disease. Therefore, it has been classified as a Variant of Uncertain Significance.

NM_001388492.1(HTT):c.3773A>G (p.Asn1258Ser)

Gene: HTT (huntingtin; plus strand). Cytogenetic location: 4p16.3.
Variant type: single nucleotide variant.
Coding change: c.3773A>G on transcript NM_001388492.1 (MANE Select); coding-DNA position 3773, A replaced by G.
Protein change: p.Asn1258Ser; replaces asparagine 1258 with serine.
Molecular consequence: missense variant.
Genome position (GRCh38, 1-based): chr4:3,160,301, A>G. VCF-style: chr4-3160301-A-G. GRCh37 (hg19) VCF-style: chr4-3162028-A-G.
Other names: c.3779A>G, p.Asn1260Ser (NM_002111.8); short protein forms N1260S, N1258S.
Identifiers: ClinVar variation 1421231 (VCV001421231.6), dbSNP rs373022404, ClinGen allele CA91456252.